The following is an entry in ClinVar:

NM_002497.4(NEK2):c.504_505inv (p.Asp169Asn)

Gene: NEK2 (NIMA related kinase 2; minus strand). Cytogenetic location: 1q32.3.
Variant type: Inversion.
Coding change: c.504_505inv on transcript NM_002497.4 (MANE Select).
Protein change: p.Asp169Asn; replaces aspartic acid 169 with asparagine.
Molecular consequence: missense variant.
Genome position: GRCh38 VCF-style: chr1-211673533-CA-TG. GRCh37 (hg19) VCF-style: chr1-211846875-CA-TG.
Other names: c.504_505inv, p.Asp169Asn (NM_001204182.2, NM_001204183.2); short protein forms D169N.
Identifiers: ClinVar variation 3005339 (VCV003005339.3), ClinGen allele CA2740090500.

ClinVar aggregate classification (germline): Uncertain significance (1 of 4 stars; one submission).

Submission:

Labcorp Genetics (formerly Invitae), Labcorp
Classification: Uncertain significance. Last evaluated: 2023-03-29. Review status: criteria provided, single submitter. Criteria: Invitae Variant Classification Sherloc (09022015). Collection method: clinical testing. Allele origin: germline.
Comment: In summary, the available evidence is currently insufficient to determine the role of this variant in disease. Therefore, it has been classified as a Variant of Uncertain Significance. Experimental studies and prediction algorithms are not available or were not evaluated, and the functional significance of this variant is currently unknown. This variant has not been reported in the literature in individuals affected with NEK2-related conditions. Information on the frequency of this variant in the gnomAD database is not available, as this variant may be reported differently in the database. This sequence change replaces aspartic acid, which is acidic and polar, with asparagine, which is neutral and polar, at codon 169 of the NEK2 protein (p.Asp169Asn).